The following is an entry in ClinVar:

NM_017780.4(CHD7):c.6273G>T (p.Trp2091Cys)

Gene: CHD7 (chromodomain helicase DNA binding protein 7; plus strand). Cytogenetic location: 8q12.2.
Variant type: single nucleotide variant.
Coding change: c.6273G>T on transcript NM_017780.4 (MANE Select); coding-DNA position 6273, G replaced by T.
Protein change: p.Trp2091Cys; replaces tryptophan 2091 with cysteine.
Molecular consequence: missense variant. On other transcripts: intron variant (1).
Genome position (GRCh38, 1-based): chr8:60,852,998, G>T. VCF-style: chr8-60852998-G-T. GRCh37 (hg19) VCF-style: chr8-61765557-G-T.
Other names: c.1717-9231G>T (NM_001316690.1); short protein forms W2091C.
Identifiers: ClinVar variation 1066377 (VCV001066377.12), dbSNP rs2150809927, ClinGen allele CA371324629.
Genomic context (GRCh38, chr8:60,852,998, plus strand): 5'-CCCCCAGCTGGGAGAGAGGCTTAAGCTCTGCCAGCCAAGCTTGGATCTGCCAGAGTGGTG[G>T]GAGTGTGGACGGCATGACCGAGACTTGCTGGTTGGTGCTGCTAAACACGGGGTCAGTCGG-3'
Protein context (NP_060250.2, residues 2081-2101): CQPSLDLPEW[Trp2091Cys]ECGRHDRDLL

ClinVar aggregate classification (germline): Conflicting classifications of pathogenicity. Review status: criteria provided, conflicting classifications (1 of 4 stars). 3 submissions from 3 submitters: Pathogenic (1); Uncertain significance (2). Last evaluated 2025-04-30.

Conditions:
Inborn genetic diseases. Identifiers: MedGen C0950123, MeSH D030342.
CHD7-related disorder. Also called: CHD7-related condition.
CHARGE syndrome (CHARGE). Also called: Hittner Hirsch Kreh syndrome; CHARGE ASSOCIATION--COLOBOMA, HEART ANOMALY, CHOANAL ATRESIA, RETARDATION, GENITAL AND EAR ANOMALIES; Coloboma, heart anomaly, choanal atresia, retardation, genital and ear anomalies; CHARGE association; Hall-Hittner syndrome. Identifiers: Orphanet 138, MedGen C0265354, MONDO:0008965.

Submissions (3):

PreventionGenetics, part of Exact Sciences
Classification: Uncertain significance for CHD7-related condition. Last evaluated: 2025-04-30. Review status: criteria provided, single submitter. Criteria: ACMG Guidelines, 2015. Collection method: clinical testing. Allele origin: germline.
Comment: The CHD7 c.6273G>T variant is predicted to result in the amino acid substitution p.Trp2091Cys. To our knowledge, this variant has not been reported in the literature or in a large population database (gnomAD), indicating this variant is rare. A different nucleotide change affecting the same amino acid (c.6271T>C, p.Trp2091Arg) has been reported in individuals with CHD7-related disorder(s), or clinical phenotypes (Table S1A, Janssen et al. 2012. PubMed ID: 22461308; Batsukh et al. 2010. PubMed ID: 20453063). Although we suspect that the c.6273G>T (p.Trp2091Cys) variant may be pathogenic, at this time, the clinical significance of this variant is uncertain due to the absence of conclusive functional and genetic evidence.

Labcorp Genetics (formerly Invitae), Labcorp
Classification: Pathogenic for CHARGE syndrome. Last evaluated: 2022-02-05. Review status: criteria provided, single submitter. Criteria: Invitae Variant Classification Sherloc (09022015). Collection method: clinical testing. Allele origin: germline.
Comment: This sequence change replaces tryptophan, which is neutral and slightly polar, with cysteine, which is neutral and slightly polar, at codon 2091 of the CHD7 protein (p.Trp2091Cys). This variant is not present in population databases (gnomAD no frequency). This missense change has been observed in individual(s) with clinical features of CHARGE syndrome (Invitae). ClinVar contains an entry for this variant (Variation ID: 1066377). Advanced modeling of protein sequence and biophysical properties (such as structural, functional, and spatial information, amino acid conservation, physicochemical variation, residue mobility, and thermodynamic stability) performed at Invitae indicates that this missense variant is expected to disrupt CHD7 protein function. Algorithms developed to predict the effect of sequence changes on RNA splicing suggest that this variant may create or strengthen a splice site. This variant disrupts the p.Trp2091 amino acid residue in CHD7. Other variant(s) that disrupt this residue have been determined to be pathogenic (PMID: 20453063, 22461308). This suggests that this residue is clinically significant, and that variants that disrupt this residue are likely to be disease-causing. For these reasons, this variant has been classified as Pathogenic.

Ambry Genetics
Classification: Uncertain significance for Inborn genetic diseases. Last evaluated: 2019-03-02. Review status: criteria provided, single submitter. Criteria: Ambry Variant Classification Scheme 2023. Collection method: clinical testing. Allele origin: germline.
Comment: The p.W2091C variant (also known as c.6273G>T), located in coding exon 30 of the CHD7 gene, results from a G to T substitution at nucleotide position 6273. The tryptophan at codon 2091 is replaced by cysteine, an amino acid with highly dissimilar properties. This amino acid position is highly conserved in available vertebrate species. In addition, this alteration is predicted to be deleterious by in silico analysis. Since supporting evidence is limited at this time, the clinical significance of this alteration remains unclear.

Literature cited by the submitters: PubMed 20453063 (cited by Labcorp Genetics (formerly Invitae), Labcorp); PubMed 22461308 (cited by Labcorp Genetics (formerly Invitae), Labcorp).